The following is an entry in ClinVar:

NM_032608.7(MYO18B):c.3241del (p.Leu1081fs)

Gene: MYO18B (myosin XVIIIB; plus strand). Cytogenetic location: 22q12.1.
Variant type: Deletion.
Coding change: c.3241del on transcript NM_032608.7 (MANE Select); coding-DNA position 3241, one base deleted (C; older notation c.3241delC).
Protein change: p.Leu1081fs; shifts the reading frame from leucine 1081.
Molecular consequence: frameshift variant.
Genome position (GRCh38, 1-based): chr22:25,843,767, C deleted; the last of 4 consecutive C bases (chr22:25,843,764-25,843,767); deleting any one gives the same sequence. VCF-style (leftmost placement, unchanged base first): chr22-25843763-GC-G. GRCh37 (hg19) VCF-style: chr22-26239730-GC-G.
Other names: c.3244del, p.Leu1082fs (NM_001318245.2); short protein forms L1082fs, L1081fs.
Identifiers: ClinVar variation 1512501 (VCV001512501.6), dbSNP rs2145997089, ClinGen allele CA2573157896.
Genomic context (GRCh38, chr22:25,843,763, plus strand): 5'-TCCAGCACTCATGCCACCATGTCTGTTTCCAGGGTCCTCTGCCCTGCGGACCTGTGAGCA[GC>G]CCCTCCAGTGTGAGATTTTCCACCAGTTGGGATGGGACCCTGTGCGGTACGACCTCACGG-3'

ClinVar aggregate classification (germline): Pathogenic (1 of 4 stars; one submission).

Submission:

Labcorp Genetics (formerly Invitae), Labcorp
Classification: Pathogenic. Last evaluated: 2022-10-03. Review status: criteria provided, single submitter. Criteria: Invitae Variant Classification Sherloc (09022015). Collection method: clinical testing. Allele origin: germline.
Comment: For these reasons, this variant has been classified as Pathogenic. ClinVar contains an entry for this variant (Variation ID: 1512501). This variant has not been reported in the literature in individuals affected with MYO18B-related conditions. This variant is not present in population databases (gnomAD no frequency). This sequence change creates a premature translational stop signal (p.Leu1081Serfs*80) in the MYO18B gene. It is expected to result in an absent or disrupted protein product. Loss-of-function variants in MYO18B are known to be pathogenic (PMID: 25748484, 32184166, 32637634).

Literature cited by the submitters: PubMed 25748484; PubMed 32184166; PubMed 32637634.